The following is an entry in ClinVar:

NM_194454.3(KRIT1):c.1135G>T (p.Glu379Ter)

Gene: KRIT1 (KRIT1 ankyrin repeat containing; minus strand). Cytogenetic location: 7q21.2.
Variant type: single nucleotide variant.
Coding change: c.1135G>T on transcript NM_194454.3 (MANE Select); coding-DNA position 1135, G replaced by T.
Protein change: p.Glu379Ter; replaces glutamic acid 379 with a stop codon.
Molecular consequence: nonsense.
Genome position (GRCh38, 1-based): chr7:92,226,537, C>A on the plus strand (G>T on the coding strand, the complement: KRIT1 is on the minus strand). VCF-style: chr7-92226537-C-A. GRCh37 (hg19) VCF-style: chr7-91855851-C-A.
Other names: c.991G>T, p.Glu331Ter (NM_001013406.2, NM_001350669.1, NM_001350670.1); c.421G>T, p.Glu141Ter (NM_001350671.1); c.1135G>T, p.Glu379Ter (NM_001350672.1, NM_001350673.1, NM_001350674.1 and 26 more transcripts); short protein forms E141*, E379*, E331*.
Identifiers: ClinVar variation 3724231 (VCV003724231.2).

ClinVar aggregate classification (germline): Pathogenic (1 of 4 stars; one submission).

Conditions:
Cerebral cavernous malformation (CCM). Also called: Cavernous Hemangioma of Brain; Cerebral cavernous hemangioma (type); CAVERNOUS ANGIOMA, FAMILIAL; CAVERNOUS ANGIOMATOUS MALFORMATIONS; CEREBRAL CAPILLARY MALFORMATIONS; Cerebral cavernous malformations. Identifiers: Orphanet 221061, MedGen C2919945, MONDO:0000820, OMIM 116860, HP:0033522.

Submission:

Labcorp Genetics (formerly Invitae), Labcorp
Classification: Pathogenic for Cerebral cavernous malformation. Last evaluated: 2025-02-17. Review status: criteria provided, single submitter. Criteria: Invitae Variant Classification Sherloc (09022015). Collection method: clinical testing. Allele origin: germline.
Comment: This sequence change creates a premature translational stop signal (p.Glu379*) in the KRIT1 gene. It is expected to result in an absent or disrupted protein product. Loss-of-function variants in KRIT1 are known to be pathogenic (PMID: 10508515, 11222804, 12404106, 24689081). This variant is not present in population databases (gnomAD no frequency). This premature translational stop signal has been observed in individual(s) with cerebral cavernous malformation (PMID: 36580209). For these reasons, this variant has been classified as Pathogenic.

Literature cited by the submitters: PubMed 10508515; PubMed 11222804; PubMed 12404106; PubMed 24689081; PubMed 36580209.